The following is an entry in ClinVar:

NM_003108.4(SOX11):c.1133AGC[1] (p.Gln379_Gln380del)

Gene: SOX11 (SRY-box transcription factor 11; plus strand). Cytogenetic location: 2p25.2.
Variant type: Microsatellite.
Coding change: c.1133AGC[1] on transcript NM_003108.4 (MANE Select); one copy of the 3-base unit AGC starting at c.1133; the reference has three copies in a row; two copies, 6 bases deleted.
Protein change: p.Gln379_Gln380del.
Genome position (GRCh38, 1-based): chr2:5,693,857-5,693,862, AGCAGC deleted; deleting any 6 consecutive bases within chr2:5,693,854-5,693,862 gives the same sequence; the position shown is the placement nearest the transcript's 3' end. VCF-style (leftmost placement, unchanged base first): chr2-5693853-GAGCAGC-G. GRCh37 (hg19) VCF-style: chr2-5833985-GAGCAGC-G.
Identifiers: ClinVar variation 3600864 (VCV003600864.1).
Genomic context (GRCh38, chr2:5,693,853, plus strand): 5'-GCCGACGACCTGATGTTCGACCTGAGCTTGAATTTCTCTCAAAGCGCGCACAGCGCCAGC[GAGCAGC>G]AGCTGGGGGGCGGCGCGGCGGCCGGGAACCTGTCCCTGTCGCTGGTGGATAAGGATTTGG-3'

ClinVar aggregate classification (germline): Uncertain significance (1 of 4 stars; one submission).

Submission:

GeneDx
Classification: Uncertain significance. Last evaluated: 2024-07-23. Review status: criteria provided, single submitter. Criteria: GeneDx Variant Classification Process June 2021. Collection method: clinical testing. Allele origin: germline. Affected: yes.
Comment: Not observed at significant frequency in large population cohorts (gnomAD); In-frame deletion of 2 amino acids in a non-repeat region; In silico analysis indicates that this variant does not alter protein structure/function; Has not been previously published as pathogenic or benign to our knowledge